The following is an entry in ClinVar:

NM_000089.4(COL1A2):c.3868_3869dup (p.Ile1291fs)

Gene: COL1A2 (collagen type I alpha 2 chain; plus strand). Cytogenetic location: 7q21.3.
Variant type: Duplication.
Coding change: c.3868_3869dup on transcript NM_000089.4 (MANE Select); coding-DNA positions 3868 to 3869, 2 bases duplicated (GT; older notation c.3868_3869dupGT).
Protein change: p.Ile1291fs; shifts the reading frame from isoleucine 1291.
Molecular consequence: frameshift variant.
Genome position (GRCh38, 1-based): chr7:94,429,344-94,429,345, GT duplicated; duplicating any 2 consecutive bases within chr7:94,429,343-94,429,345 gives the same sequence; the c. name uses the placement nearest the transcript's 3' end. VCF-style (leftmost placement, unchanged base first): chr7-94429342-C-CTG. GRCh37 (hg19) VCF-style: chr7-94058654-C-CTG.
Other names: short protein forms I1291fs.
Identifiers: ClinVar variation 846781 (VCV000846781.11), dbSNP rs1792353123, ClinGen allele CA916081497.

ClinVar aggregate classification (germline): Likely pathogenic (1 of 4 stars; one submission).

Conditions:
Osteogenesis imperfecta type I (OI1). Also called: Lobstein's Disease; Classic Non-deforming Osteogenesis Imperfecta with Blue Sclerae; Lobstein disease; OI, TYPE I; OSTEOGENESIS IMPERFECTA TARDA; OSTEOGENESIS IMPERFECTA WITH BLUE SCLERAE. Identifiers: Orphanet 216796, Orphanet 666, MedGen C0023931, MONDO:0008146, OMIM 166200. Disease mechanism: loss of function.
Ehlers-Danlos syndrome, classic type, 1 (EDSCL1). Also called: Ehlers-Danlos syndrome, type 1; Ehlers-Danlos Syndrome, Classic Type, COL5A1-Related; EDS I; EHLERS-DANLOS SYNDROME, GRAVIS TYPE; EHLERS-DANLOS SYNDROME, SEVERE CLASSIC TYPE. Identifiers: MedGen C0268335, MONDO:0019567, OMIM 130000.

Submission:

Labcorp Genetics (formerly Invitae), Labcorp
Classification: Likely pathogenic for Osteogenesis imperfecta type I; Ehlers-Danlos syndrome, classic type, 1. Last evaluated: 2022-01-11. Review status: criteria provided, single submitter. Criteria: Invitae Variant Classification Sherloc (09022015). Collection method: clinical testing. Allele origin: germline.
Comment: This sequence change creates a premature translational stop signal (p.Ile1291Serfs*25) in the COL1A2 gene. While this is not anticipated to result in nonsense mediated decay, it is expected to disrupt the last 76 amino acid(s) of the COL1A2 protein. In summary, the currently available evidence indicates that the variant is pathogenic, but additional data are needed to prove that conclusively. Therefore, this variant has been classified as Likely Pathogenic. ClinVar contains an entry for this variant (Variation ID: 846781). This premature translational stop signal has been observed in individual(s) with osteogenesis imperfecta (Invitae). This variant is not present in population databases (gnomAD no frequency).